The following is an entry in ClinVar:

NM_001271.4(CHD2):c.5185G>T (p.Asp1729Tyr)

Gene: CHD2 (chromodomain helicase DNA binding protein 2; plus strand). Cytogenetic location: 15q26.1.
Variant type: single nucleotide variant.
Coding change: c.5185G>T on transcript NM_001271.4 (MANE Select); coding-DNA position 5185, G replaced by T.
Protein change: p.Asp1729Tyr; replaces aspartic acid 1729 with tyrosine.
Molecular consequence: missense variant.
Genome position (GRCh38, 1-based): chr15:93,024,403, G>T. VCF-style: chr15-93024403-G-T. GRCh37 (hg19) VCF-style: chr15-93567633-G-T.
Other names: short protein forms D1729Y.
Identifiers: ClinVar variation 2136234 (VCV002136234.1), dbSNP rs746200715, ClinGen allele CA393908240.

ClinVar aggregate classification (germline): Uncertain significance (1 of 4 stars; one submission).

Submission:

GeneDx
Classification: Uncertain significance. Last evaluated: 2022-07-18. Review status: criteria provided, single submitter. Criteria: GeneDx Variant Classification Process June 2021. Collection method: clinical testing. Allele origin: germline. Affected: yes.
Comment: Not observed at significant frequency in large population cohorts (gnomAD); In silico analysis supports that this missense variant has a deleterious effect on protein structure/function; Has not been previously published as pathogenic or benign to our knowledge